The following is an entry in ClinVar:

ClinVar aggregate classification (germline): Pathogenic. Review status: criteria provided, multiple submitters, no conflicts (2 of 4 stars). 2 submissions from 2 submitters: Pathogenic (2). Last evaluated 2024-05-08.

Conditions:
Holocarboxylase synthetase deficiency. Also called: MULTIPLE CARBOXYLASE DEFICIENCY, EARLY ONSET. Identifiers: Orphanet 79242, MedGen C0268581, MONDO:0009666, OMIM 253270.

Submissions (2):

Myriad Genetics, Inc.
Classification: Pathogenic for Holocarboxylase synthetase deficiency. Last evaluated: 2024-05-08. Review status: criteria provided, single submitter. Criteria: Myriad Autosomal Dominant, Autosomal Recessive and X-Linked Classification Criteria (2023). Collection method: clinical testing. Allele origin: unknown.
Comment: NM_000411.6(HLCS):c.250G>T(E84*) is expected to be pathogenic in the context of holocarboxylase synthetase deficiency. This variant is predicted to lead to an abnormal or absent protein product due to the creation of a premature termination codon in HLCS, a gene where loss-of-function variants are known to be pathogenic. Please note: this variant was assessed in the context of healthy population screening.

Labcorp Genetics (formerly Invitae), Labcorp
Classification: Pathogenic for Holocarboxylase synthetase deficiency. Last evaluated: 2020-04-09. Review status: criteria provided, single submitter. Criteria: Invitae Variant Classification Sherloc (09022015). Collection method: clinical testing. Allele origin: germline.
Comment: This sequence change creates a premature translational stop signal (p.Glu84*) in the HLCS gene. It is expected to result in an absent or disrupted protein product. This variant is not present in population databases (ExAC no frequency). This variant has not been reported in the literature in individuals with HLCS-related disease. Loss-of-function variants in HLCS are known to be pathogenic (PMID: 16134170). For these reasons, this variant has been classified as Pathogenic.

Literature cited by the submitters: PubMed 16134170 (cited by Labcorp Genetics (formerly Invitae), Labcorp).

NM_001352514.2(HLCS):c.691G>T (p.Glu231Ter)

Gene: HLCS (holocarboxylase synthetase; minus strand). Cytogenetic location: 21q22.13.
Variant type: single nucleotide variant.
Coding change: c.691G>T on transcript NM_001352514.2 (MANE Select); coding-DNA position 691, G replaced by T.
Protein change: p.Glu231Ter; replaces glutamic acid 231 with a stop codon.
Molecular consequence: nonsense. On other transcripts: non-coding transcript variant (2).
Genome position (GRCh38, 1-based): chr21:36,937,195, C>A on the plus strand (G>T on the coding strand, the complement: HLCS is on the minus strand). VCF-style: chr21-36937195-C-A. GRCh37 (hg19) VCF-style: chr21-38309495-C-A.
Other names: c.250G>T, p.Glu84Ter (NM_000411.8, NM_001242784.3, NM_001242785.2 and 4 more transcripts); short protein forms E84*, E231*.
Identifiers: ClinVar variation 578930 (VCV000578930.3), dbSNP rs1569218416, ClinGen allele CA409913457.
Genomic context (GRCh38, chr21:36,937,195, plus strand): 5'-ACAGATGGAGGTGATAATGCTCAACGGGGCCCCCTCCCCTGTCACTGTCCCCAGCAGGCT[C>A]ACTCCCAGAGGCACTGCCTCTCCTTTGTTTGGGTTCTTCACCAAGAGCCTTTGGGTCATC-3'